The following is an entry in ClinVar:

ClinVar aggregate classification (germline): Uncertain significance (1 of 4 stars; one submission).

Submission:

Labcorp Genetics (formerly Invitae), Labcorp
Classification: Uncertain significance. Last evaluated: 2020-10-01. Review status: criteria provided, single submitter. Criteria: Invitae Variant Classification Sherloc (09022015). Collection method: clinical testing. Allele origin: germline.
Comment: In summary, the available evidence is currently insufficient to determine the role of this variant in disease. Therefore, it has been classified as a Variant of Uncertain Significance. Algorithms developed to predict the effect of missense changes on protein structure and function are either unavailable or do not agree on the potential impact of this missense change (SIFT: "Deleterious"; PolyPhen-2: "Possibly Damaging"; Align-GVGD: "Class C0"). This variant has not been reported in the literature in individuals with USH2A-related conditions. This variant is not present in population databases (ExAC no frequency). This sequence change replaces proline with leucine at codon 118 of the USH2A protein (p.Pro118Leu). The proline residue is highly conserved and there is a moderate physicochemical difference between proline and leucine.

NM_206933.4(USH2A):c.353C>T (p.Pro118Leu)

Gene: USH2A (usherin; minus strand). Cytogenetic location: 1q41.
Variant type: single nucleotide variant.
Coding change: c.353C>T on transcript NM_206933.4 (MANE Select); coding-DNA position 353, C replaced by T.
Protein change: p.Pro118Leu; replaces proline 118 with leucine.
Molecular consequence: missense variant.
Genome position (GRCh38, 1-based): chr1:216,421,984, G>A on the plus strand (C>T on the coding strand, the complement: USH2A is on the minus strand). VCF-style: chr1-216421984-G-A. GRCh37 (hg19) VCF-style: chr1-216595326-G-A.
Other names: c.353C>T, p.Pro118Leu (NM_007123.6); short protein forms P118L.
Identifiers: ClinVar variation 938599 (VCV000938599.9), dbSNP rs2039684908, ClinGen allele CA344904144.